The following is an entry in ClinVar:

ClinVar aggregate classification (germline): Uncertain significance. Review status: criteria provided, multiple submitters, no conflicts (2 of 4 stars). 2 submissions from 2 submitters: Uncertain significance (2). Last evaluated 2025-11-06.

Conditions:
Inborn genetic diseases. Identifiers: MedGen C0950123, MeSH D030342.

Allele frequency attached by ClinVar (database versions not stated): gnomAD exomes below 0.00001.
gnomAD v4.1: 1 of 1,489,430 alleles (0.000067%); highest among the groups gnomAD compares: South Asian, 0.0013%; no homozygotes.

Submissions (2):

Ambry Genetics
Classification: Uncertain significance for Inborn genetic diseases. Last evaluated: 2025-11-06. Review status: criteria provided, single submitter. Criteria: Ambry Variant Classification Scheme 2023. Collection method: clinical testing. Allele origin: germline.

Labcorp Genetics (formerly Invitae), Labcorp
Classification: Uncertain significance. Last evaluated: 2022-04-19. Review status: criteria provided, single submitter. Criteria: Invitae Variant Classification Sherloc (09022015). Collection method: clinical testing. Allele origin: germline.
Comment: In summary, the available evidence is currently insufficient to determine the role of this variant in disease. Therefore, it has been classified as a Variant of Uncertain Significance. Algorithms developed to predict the effect of missense changes on protein structure and function are either unavailable or do not agree on the potential impact of this missense change (SIFT: "Tolerated"; PolyPhen-2: "Probably Damaging"; Align-GVGD: "Class C0"). This variant has not been reported in the literature in individuals affected with SPEG-related conditions. This variant is not present in population databases (gnomAD no frequency). This sequence change replaces glycine, which is neutral and non-polar, with arginine, which is basic and polar, at codon 2002 of the SPEG protein (p.Gly2002Arg).

NM_005876.5(SPEG):c.6004G>A (p.Gly2002Arg)

Genes: ASIC4-AS1 (ASIC4 antisense RNA 1; minus strand), SPEG (striated muscle enriched protein kinase; plus strand). Cytogenetic location: 2q35.
Variant type: single nucleotide variant.
Coding change: c.6004G>A on transcript NM_005876.5 (MANE Select); coding-DNA position 6004, G replaced by A.
Protein change: p.Gly2002Arg; replaces glycine 2002 with arginine.
Molecular consequence: missense variant.
Genome position (GRCh38, 1-based): chr2:219,483,467, G>A. VCF-style: chr2-219483467-G-A. GRCh37 (hg19) VCF-style: chr2-220348189-G-A.
Other names: c.6004G>A (NM_005876.4); short protein forms G2002R.
Identifiers: ClinVar variation 1387789 (VCV001387789.9), dbSNP rs2125553438, ClinGen allele CA350694630.
Genomic context (GRCh38, chr2:219,483,467, plus strand): 5'-CAGGACCAGGAGGCTCCCAGCCCAGAGGCCCTCCCCTCCCCAGGCCAGGAGCCCGCAGCT[G>A]GGGCTAGCCCCAGGCGGGGAGAGCTCCGCAGGGGCAGCTCGGCTGAGAGCGCCCTGCCCC-3'
Protein context (NP_005867.3, residues 1992-2012): LPSPGQEPAA[Gly2002Arg]ASPRRGELRR